The following is an entry in ClinVar:

NC_012920.1(MT-ATP6):m.8897C>T

Gene: MT-ATP6 (mitochondrially encoded ATP synthase 6; plus strand).
Variant type: single nucleotide variant.
Genome position: chrM-8897-C-T.
Identifiers: ClinVar variation 693018 (VCV000693018.1), dbSNP rs1603221889, ClinGen allele CA414798807.

ClinVar aggregate classification (germline): Benign (1 of 4 stars; one submission).

Conditions:
Leigh syndrome (NULS). Also called: Leigh's necrotizing encephalopathy; Leigh's disease; Leigh Syndrome (mtDNA deletion); Leigh Disease; Subacute necrotizing encephalopathy; Necrotizing encephalopathy infantile subacute of Leigh. Identifiers: Orphanet 506, MedGen C2931891, MONDO:0009723, OMIM 256000.

Submission:

Wong Mito Lab, Molecular and Human Genetics, Baylor College of Medicine
Classification: Benign for Leigh syndrome. Last evaluated: 2019-10-17. Review status: criteria provided, single submitter. Criteria: Modified ACMG Guidelines (Unpublished). Collection method: clinical testing. Allele origin: germline.
Comment: The NC_012920.1:m.8897C>T (YP_003024031.1:p.Ala124Val) variant in MTATP6 gene is interpretated to be a Benign variant based on the modified ACMG guidelines (unpublished). This variant meets the following evidence codes: BS1, BS2, BP4